The following is an entry in ClinVar:

NM_001303256.3(MORC2):c.2850C>T (p.Tyr950=)

Gene: MORC2 (MORC family CW-type zinc finger 2; minus strand). Cytogenetic location: 22q12.2.
Variant type: single nucleotide variant.
Coding change: c.2850C>T on transcript NM_001303256.3 (MANE Select); coding-DNA position 2850, C replaced by T.
Protein change: p.Tyr950=; no amino-acid change (tyrosine 950 retained).
Molecular consequence: synonymous variant.
Genome position (GRCh38, 1-based): chr22:30,928,199, G>A on the plus strand (C>T on the coding strand, the complement: MORC2 is on the minus strand). VCF-style: chr22-30928199-G-A. GRCh37 (hg19) VCF-style: chr22-31324186-G-A.
Other names: c.2850C>T, p.Tyr950= (NM_001303257.2); c.2664C>T, p.Tyr888= (NM_014941.3).
Identifiers: ClinVar variation 2192192 (VCV002192192.28), dbSNP rs756131826, ClinGen allele CA10186521.
Genomic context (GRCh38, chr22:30,928,199, plus strand): 5'-GTCAGCACGGCTCTGGTAGGAATTGCACAGGTTTTGGAGCCCTACTTCATATTGCTTGAA[G>A]TACTCCTTCTGTTGGGAGCAGAGCAAGAGGGAGAGTGTGTAAGTTCACAGGGGTCCCCAG-3'
Protein context (NP_001290185.1, residues 940-960): DELISFPLKE[Tyr950=]FKQYEVGLQN

ClinVar aggregate classification (germline): Likely benign. Review status: criteria provided, multiple submitters, no conflicts (2 of 4 stars). 2 submissions from 2 submitters: Likely benign (2). Last evaluated 2023-02-01.

Conditions:
Charcot-Marie-Tooth disease axonal type 2Z. Also called: CHARCOT-MARIE-TOOTH DISEASE, AXONAL, AUTOSOMAL DOMINANT, TYPE 2Z; CHARCOT-MARIE-TOOTH NEUROPATHY, TYPE 2Z. Identifiers: Orphanet 466768, MedGen C5569025, MONDO:0014736, OMIM 616688.

Allele frequency attached by ClinVar (database versions not stated): ExAC 0.00001; gnomAD exomes 0.00001.
gnomAD v4.1: 6 of 1,614,144 alleles (0.00037%); highest among the groups gnomAD compares: Non-Finnish European, 0.00051%; no homozygotes.

Submissions (2):

CeGaT Center for Human Genetics Tuebingen
Classification: Likely benign. Last evaluated: 2023-02-01. Review status: criteria provided, single submitter. Criteria: CeGaT Center For Human Genetics Tuebingen Variant Classification Criteria Version 2. Collection method: clinical testing. Allele origin: germline. Affected: yes. Observed: 1 variant allele.
Comment: MORC2: BP4, BP7

Labcorp Genetics (formerly Invitae), Labcorp
Classification: Likely benign for Charcot-Marie-Tooth disease axonal type 2Z. Last evaluated: 2022-10-23. Review status: criteria provided, single submitter. Criteria: Invitae Variant Classification Sherloc (09022015). Collection method: clinical testing. Allele origin: germline.